The following is an entry in ClinVar:

ClinVar aggregate classification (germline): Likely pathogenic (1 of 4 stars; one submission).

Submission:

Clinical Genomics Laboratory, Laboratory for Precision Diagnostics, University of Washington
Classification: Likely pathogenic. Last evaluated: 2022-06-17. Review status: criteria provided, single submitter. Criteria: ACMG/ClinGen CNV Guidelines, 2019. Collection method: clinical testing. Allele origin: unknown. Affected: yes. Observed: 1 variant allele.
Comment: This is the 22q11.21 LCR22 C-D deletion, also referred to in the literature as 22q11.21 central deletions.

Literature cited by the submitters: PubMed 26278718; PubMed 31825158; PubMed 29469822; PubMed 31543904; PubMed 28121514; PubMed 24362817.

GRCh38/hg38 22q11.21(chr22:20714785-21109441)x1

Genes: AIFM3 (AIF family member 3; plus strand), CRKL (CRK like proto-oncogene, adaptor protein; plus strand), LINC01637 (long independently transcribed non-coding RNA 1637; plus strand), LRRC74B (leucine rich repeat containing 74B; plus strand), LRRC74BNL (LRRC74B N-terminal like; minus strand) and 32 more. Cytogenetic location: 22q11.21.
Variant type: copy number loss.
Change: copy number 1 (one copy instead of two) of chr22:20,714,785-21,109,441 (394.7 kb, GRCh38 coordinates, 1-based), cytogenetic band 22q11.21.
Identifiers: ClinVar variation 4852046 (VCV004852046.1).